The following is an entry in ClinVar:

ClinVar aggregate classification (germline): Uncertain significance (1 of 4 stars; one submission).

Submission:

GeneDx
Classification: Uncertain significance. Last evaluated: 2025-02-26. Review status: criteria provided, single submitter. Criteria: GeneDx Variant Classification Process June 2021. Collection method: clinical testing. Allele origin: germline. Affected: yes.
Comment: Not observed at significant frequency in large population cohorts (gnomAD); In silico analysis indicates that this variant does not alter splicing; Has not been previously published as pathogenic or benign to our knowledge

NM_001372044.2(SHANK3):c.1529+4dup

Gene: SHANK3 (SH3 and multiple ankyrin repeat domains 3; plus strand). Cytogenetic location: 22q13.33.
Variant type: Duplication.
Coding change: c.1529+4dup on transcript NM_001372044.2 (MANE Select); 4 bases into the intron after coding-DNA position 1529, one base duplicated (T; older notation c.1529+4dupT).
Molecular consequence: intron variant.
Genome position (GRCh38, 1-based): chr22:50,695,050, T duplicated. VCF-style (leftmost placement, unchanged base first): chr22-50695049-G-GT. GRCh37 (hg19) VCF-style: chr22-51133477-G-GT.
Identifiers: ClinVar variation 4077318 (VCV004077318.1).